The following is an entry in ClinVar:

ClinVar aggregate classification (germline): Likely benign. Review status: criteria provided, multiple submitters, no conflicts (2 of 4 stars). 4 submissions from 4 submitters: Likely benign (4). Last evaluated 2023-08-30.

Conditions:
Cobalamin C disease. Also called: Cobalamin-C methylmalonic acidemia and homocystinuria; Methylmalonic acidemia and homocystinuria cblC type; Methylmalonic aciduria and homocystinuria, Vitamin B12-responsive; Vitamin B12 metabolic defect with combined deficiency of methylmalonyl-CoA mutase and homocysteine:methyltetrahydrofolate methyltransferase; methylmalonic aciduria and homocystinuria type cblC; Methylmalonic aciduria with homocystinuria cblC type. Identifiers: Orphanet 26, Orphanet 79282, MedGen C1848561, MONDO:0010184, OMIM 277400.

Allele frequency attached by ClinVar (database versions not stated): gnomAD exomes below 0.00001 and 0.00001; ExAC 0.00001.

Submissions (4):

Labcorp Genetics (formerly Invitae), Labcorp
Classification: Likely benign for Cobalamin C disease. Last evaluated: 2023-08-30. Review status: criteria provided, single submitter. Criteria: Invitae Variant Classification Sherloc (09022015). Collection method: clinical testing. Allele origin: germline.

Genome-Nilou Lab
Classification: Likely benign for Cobalamin C disease. Last evaluated: 2023-04-11. Review status: criteria provided, single submitter. Criteria: ACMG Guidelines, 2015. Collection method: clinical testing. Allele origin: germline. Affected: no.

Fulgent Genetics
Classification: Likely benign for Cobalamin C disease. Last evaluated: 2022-03-17. Review status: criteria provided, single submitter. Criteria: ACMG Guidelines, 2015. Collection method: clinical testing. Allele origin: unknown.

CeGaT Center for Human Genetics Tuebingen
Classification: Likely benign. Last evaluated: 2022-03-01. Review status: criteria provided, single submitter. Criteria: CeGaT Center For Human Genetics Tuebingen Variant Classification Criteria Version 2. Collection method: clinical testing. Allele origin: germline. Affected: yes. Observed: 1 variant allele.
Comment: MMACHC: BP4, BP7

NM_015506.3(MMACHC):c.801G>A (p.Arg267=)

Gene: MMACHC (metabolism of cobalamin associated C; plus strand). Cytogenetic location: 1p34.1.
Variant type: single nucleotide variant.
Coding change: c.801G>A on transcript NM_015506.3 (MANE Select); coding-DNA position 801, G replaced by A.
Protein change: p.Arg267=; no amino-acid change (arginine 267 retained).
Molecular consequence: synonymous variant.
Genome position (GRCh38, 1-based): chr1:45,509,167, G>A. VCF-style: chr1-45509167-G-A. GRCh37 (hg19) VCF-style: chr1-45974839-G-A.
Other names: c.630G>A, p.Arg210= (NM_001330540.2).
Identifiers: ClinVar variation 1122253 (VCV001122253.41), dbSNP rs751017212, ClinGen allele CA827867.